The following continues an entry in ClinVar:

NM_000441.2(SLC26A4):c.85G>C (p.Glu29Gln)

ClinVar aggregate classification (germline): Pathogenic/Likely pathogenic. Pathogenic (18); Likely pathogenic (2).

Submissions 19 to 26 of 26:

Illumina Laboratory Services, Illumina
Classification: Pathogenic for SLC26A4-Related Disorders. Last evaluated: 2018-11-24. Review status: criteria provided, single submitter. Criteria: ICSL Variant Classification Criteria 09 May 2019. Collection method: clinical testing. Allele origin: germline.
Comment: Across a selection of the available literature, the SLC26A4 c.85G>C (p.Glu29Gln) missense variant has been reported in at least nine studies in which it was identified in a total of 18 individuals, including in a compound heterozygous state in 14 individuals, in a heterozygous state in three individuals, in a double heterozygous state in one individual and in one individual with unknown zygosity. Affected individuals were diagnosed with either Pendred syndrome, an autosomal recessive form of deafness, or enlarged vestibular aqueduct or Mondini dysplasia (Campbell et al. 2001; Prasad et al. 2004; Blons et al. 2004; Alberts et al. 2006; Yang et al. 2007; Pera et al. 2008; Pourova et al. 2010; Rendtorff et al. 2013; Ladous et al. 2014). The p.Glu29Gln variant was found to segregate in at least one study (Yang et al. 2007). The variant was absent from 469 controls and is reported at a frequency of 0.000229 in the European (non-Finnish) population of the Genome Aggregation Database. Functional studies using fluorimetric measurements showed that the p.Glu29Gln variant protein has reduced chloride/iodide transport (Pera et al. 2008). Based on the collective evidence, the p.Glu29Gln variant is classified as pathogenic for SLC26A4-related disorders. This variant was observed by ICSL as part of a predisposition screen in an ostensibly healthy population.

Laboratory for Molecular Medicine, Mass General Brigham Personalized Medicine
Classification: Pathogenic for Rare genetic deafness. Last evaluated: 2015-09-14. Review status: criteria provided, single submitter. Criteria: LMM Criteria. Collection method: clinical testing. Allele origin: germline. Inheritance: Autosomal recessive inheritance. Observed: 11 variant alleles.
Comment: The p.Glu29Gln variant in SLC26A4 has been identified in multiple individuals wi th hearing loss and temporal bone abnormalities including over 15 probands who w ere compound heterozygous with another pathogenic variant in SLC26A4, and it has segregated in three affected siblings (Albert 2006, Campbell 2001, Gardner 2006 , Ladsous 2014, Pera 2008, Pourova 2010, Rendtorff 2013, LMM unpublished data). Functional studies have demonstrated that this variant impacts the protein func tion (Pera 2008). In summary, this variant meets our criteria to be classified as pathogenic for DFNB4 nonsyndromic hearing loss or Pendred syndrome in an auto somal recessive manner.

Counsyl
Classification: Pathogenic for Pendred syndrome. Last evaluated: 2019-06-09. Review status: no assertion criteria provided. Collection method: clinical testing. Allele origin: unknown. Not counted in ClinVar's aggregate classification.

Genetic Testing Center for Deafness, Department of Otolaryngology Head & Neck Surgery, Institute of Otolaryngology, Chinese PLA General Hospital
Classification: Likely pathogenic for Autosomal recessive nonsyndromic hearing loss 4. Last evaluated: 2019-02-26. Review status: no assertion criteria provided. Collection method: case-control. Allele origin: inherited. Affected: yes. Observed: 3 variant alleles. Clinical features observed: hearing loss. Not counted in ClinVar's aggregate classification.

Lupski Lab, Baylor-Hopkins CMG, Baylor College of Medicine
Classification: Likely pathogenic for Wolff-Parkinson-White pattern. Last evaluated: 2017-07-14. Review status: no assertion criteria provided. Collection method: research. Allele origin: unknown. Affected: yes. Observed: 1 variant allele. Study: Candidate_variants_in_patients_with_ Wolff-Parkinson-White Syndrome. Not counted in ClinVar's aggregate classification.

OMIM
Classification: Pathogenic for DEAFNESS, AUTOSOMAL RECESSIVE 4, WITH ENLARGED VESTIBULAR AQUEDUCT, DIGENIC. Last evaluated: 2008-08-01. Review status: no assertion criteria provided. Collection method: literature only. Allele origin: germline. Not counted in ClinVar's aggregate classification.

Clinical Genetics DNA and cytogenetics Diagnostics Lab, Erasmus MC, Erasmus Medical Center
Classification: Pathogenic. Review status: no assertion criteria provided. Collection method: clinical testing. Allele origin: germline. Affected: yes. Study: VKGL Data-share Consensus. Not counted in ClinVar's aggregate classification.

Joint Genome Diagnostic Labs from Nijmegen and Maastricht, Radboudumc and MUMC+
Classification: Pathogenic. Review status: no assertion criteria provided. Collection method: clinical testing. Allele origin: germline. Affected: yes. Study: VKGL Data-share Consensus. Not counted in ClinVar's aggregate classification.

Literature cited by the submitters: PubMed 23336812 (cited by 5 submitters); PubMed 11317356 (cited by 5 submitters); PubMed 15355436 (cited by 4 submitters); PubMed 16570074 (cited by 5 submitters); PubMed 20597900 (cited by 4 submitters); PubMed 25394566 (cited by Labcorp Genetics (formerly Invitae), Labcorp and Mayo Clinic Laboratories, Mayo Clinic); PubMed 19017801 (cited by 5 submitters); PubMed 22285650 (cited by Labcorp Genetics (formerly Invitae), Labcorp); PubMed 25372295 (cited by Labcorp Genetics (formerly Invitae), Labcorp); PubMed 14679580 (cited by 3 submitters); PubMed 15099345 (cited by Mayo Clinic Laboratories, Mayo Clinic and Laboratory for Molecular Medicine, Mass General Brigham Personalized Medicine); PubMed 16950989 (cited by Mayo Clinic Laboratories, Mayo Clinic and Laboratory for Molecular Medicine, Mass General Brigham Personalized Medicine); PubMed 17503324 (cited by 4 submitters); PubMed 18285825 (cited by 3 submitters); PubMed 24224479 (cited by 3 submitters); PubMed 31541171 (cited by Mayo Clinic Laboratories, Mayo Clinic); PubMed 31589614 (cited by Mayo Clinic Laboratories, Mayo Clinic); PubMed 34426522 (cited by Mayo Clinic Laboratories, Mayo Clinic); PubMed 12642503 (cited by OMIM).